The following is an entry in ClinVar:

NM_000465.4(BARD1):c.2174G>T (p.Arg725Ile)

Gene: BARD1 (BRCA1 associated RING domain 1; minus strand). Cytogenetic location: 2q35.
Variant type: single nucleotide variant.
Coding change: c.2174G>T on transcript NM_000465.4 (MANE Select); coding-DNA position 2174, G replaced by T.
Protein change: p.Arg725Ile; replaces arginine 725 with isoleucine.
Molecular consequence: missense variant. On other transcripts: non-coding transcript variant (3).
Genome position (GRCh38, 1-based): chr2:214,728,836, C>A on the plus strand (G>T on the coding strand, the complement: BARD1 is on the minus strand). VCF-style: chr2-214728836-C-A. GRCh37 (hg19) VCF-style: chr2-215593560-C-A.
Other names: c.2117G>T, p.Arg706Ile (NM_001282543.2); c.821G>T, p.Arg274Ile (NM_001282545.2); c.764G>T, p.Arg255Ile (NM_001282548.2); c.635G>T, p.Arg212Ile (NM_001282549.2); c.2174G>T (NM_000465.2); short protein forms R725I, R212I, R255I, R706I, R274I.
Identifiers: ClinVar variation 577529 (VCV000577529.12), dbSNP rs1559372078, ClinGen allele CA350450375.

ClinVar aggregate classification (germline): Uncertain significance. Review status: criteria provided, multiple submitters, no conflicts (2 of 4 stars). 2 submissions from 2 submitters: Uncertain significance (2). Last evaluated 2023-12-04.

Conditions:
Hereditary cancer-predisposing syndrome. Also called: Tumor predisposition; Hereditary neoplastic syndrome; Hereditary Cancer Syndrome; Neoplastic Syndromes, Hereditary. Identifiers: Orphanet 140162, MedGen C0027672, MeSH D009386, MONDO:0015356.
Familial cancer of breast. Also called: hereditary breast carcinoma; BREAST CANCER, FAMILIAL; Hereditary breast cancer. Identifiers: Orphanet 227535, MedGen C0346153, MONDO:0016419, OMIM 114480. Disease mechanism: loss of function.

Allele frequency attached by ClinVar (database versions not stated): TOPMed below 0.00001.

Submissions (2):

Ambry Genetics
Classification: Uncertain significance for Hereditary cancer-predisposing syndrome. Last evaluated: 2023-12-04. Review status: criteria provided, single submitter. Criteria: Ambry Variant Classification Scheme 2023. Collection method: clinical testing. Allele origin: germline.
Comment: The p.R725I variant (also known as c.2174G>T), located in coding exon 11 of the BARD1 gene, results from a G to T substitution at nucleotide position 2174. The arginine at codon 725 is replaced by isoleucine, an amino acid with similar properties. This amino acid position is conserved. In addition, this alteration is predicted to be tolerated by in silico analysis. Since supporting evidence is limited at this time, the clinical significance of this alteration remains unclear.

Labcorp Genetics (formerly Invitae), Labcorp
Classification: Uncertain significance for Familial cancer of breast. Last evaluated: 2023-02-24. Review status: criteria provided, single submitter. Criteria: Invitae Variant Classification Sherloc (09022015). Collection method: clinical testing. Allele origin: germline.
Comment: In summary, the available evidence is currently insufficient to determine the role of this variant in disease. Therefore, it has been classified as a Variant of Uncertain Significance. An algorithm developed to predict the effect of missense changes on protein structure and function (PolyPhen-2) suggests that this variant is likely to be tolerated. ClinVar contains an entry for this variant (Variation ID: 577529). This variant has not been reported in the literature in individuals affected with BARD1-related conditions. This variant is not present in population databases (gnomAD no frequency). This sequence change replaces arginine, which is basic and polar, with isoleucine, which is neutral and non-polar, at codon 725 of the BARD1 protein (p.Arg725Ile).